The following is an entry in ClinVar:

NM_001367943.1(TCF7L2):c.1826A>G (p.Gln609Arg)

Gene: TCF7L2 (transcription factor 7 like 2; plus strand). Cytogenetic location: 10q25.3.
Variant type: single nucleotide variant.
Coding change: c.1826A>G on transcript NM_001367943.1 (MANE Select); coding-DNA position 1826, A replaced by G.
Protein change: p.Gln609Arg; replaces glutamine 609 with arginine.
Molecular consequence: missense variant. On other transcripts: 3 prime UTR variant (12).
Genome position (GRCh38, 1-based): chr10:113,165,938, A>G. VCF-style: chr10-113165938-A-G. GRCh37 (hg19) VCF-style: chr10-114925697-A-G.
Other names: c.1775A>G, p.Gln592Arg (NM_001146274.2); c.*304A>G (NM_001146283.2, NM_001146284.2, NM_001146286.2 and 4 more transcripts); c.1706A>G, p.Gln569Arg (NM_001146285.2, NM_001198526.2); c.*414A>G (NM_001198525.2); c.*402A>G (NM_001198527.2, NM_001198528.2, NM_001349870.2 and 1 more transcripts); c.1757A>G, p.Gln586Arg (NM_030756.5); short protein forms Q569R, Q609R, Q586R, Q592R.
Identifiers: ClinVar variation 4977174 (VCV004977174.1).

ClinVar aggregate classification (germline): Uncertain significance (1 of 4 stars; one submission).

Conditions:
TCF7L2-related disorder. Also called: TCF7L2-related condition.

gnomAD v4.1: 1 of 1,545,088 alleles (0.000065%); highest among the groups gnomAD compares: Non-Finnish European, 0.000087%; no homozygotes.

Submission:

PreventionGenetics, part of Exact Sciences
Classification: Uncertain significance for TCF7L2-related condition. Last evaluated: 2025-09-29. Review status: criteria provided, single submitter. Criteria: ACMG Guidelines, 2015. Collection method: clinical testing. Allele origin: germline.
Comment: The TCF7L2 c.1757A>G variant is predicted to result in the amino acid substitution p.Gln586Arg. To our knowledge, this variant has not been reported in the literature or in a large population database (gnomAD), indicating this variant is rare. At this time, the clinical significance of this variant is uncertain due to the absence of conclusive functional and genetic evidence.